The following is an entry in ClinVar:

ClinVar aggregate classification (germline): Uncertain significance (1 of 4 stars; one submission).

Conditions:
Cortical dysplasia-focal epilepsy syndrome (PTHSL1). Also called: Pitt-Hopkins-like syndrome 1. Identifiers: Orphanet 163681, Orphanet 221150, MedGen C2750246, MONDO:0012400, OMIM 610042.

Submission:

Labcorp Genetics (formerly Invitae), Labcorp
Classification: Uncertain significance for Cortical dysplasia-focal epilepsy syndrome. Last evaluated: 2021-08-02. Review status: criteria provided, single submitter. Criteria: Invitae Variant Classification Sherloc (09022015). Collection method: clinical testing. Allele origin: germline.
Comment: In summary, the available evidence is currently insufficient to determine the role of this variant in disease. Therefore, it has been classified as a Variant of Uncertain Significance. Algorithms developed to predict the effect of missense changes on protein structure and function are either unavailable or do not agree on the potential impact of this missense change (SIFT: "Deleterious"; PolyPhen-2: "Benign"; Align-GVGD: "Class C0"). This variant has not been reported in the literature in individuals affected with CNTNAP2-related conditions. This variant is not present in population databases (ExAC no frequency). This sequence change replaces aspartic acid with asparagine at codon 574 of the CNTNAP2 protein (p.Asp574Asn). The aspartic acid residue is moderately conserved and there is a small physicochemical difference between aspartic acid and asparagine.

NM_014141.6(CNTNAP2):c.1720G>A (p.Asp574Asn)

Gene: CNTNAP2 (contactin associated protein 2; plus strand). Cytogenetic location: 7q35.
Variant type: single nucleotide variant.
Coding change: c.1720G>A on transcript NM_014141.6 (MANE Select); coding-DNA position 1720, G replaced by A.
Protein change: p.Asp574Asn; replaces aspartic acid 574 with asparagine.
Molecular consequence: missense variant.
Genome position (GRCh38, 1-based): chr7:147,485,984, G>A. VCF-style: chr7-147485984-G-A. GRCh37 (hg19) VCF-style: chr7-147183076-G-A.
Other names: short protein forms D574N.
Identifiers: ClinVar variation 1469421 (VCV001469421.6), dbSNP rs2116638151, ClinGen allele CA369925901.
Genomic context (GRCh38, chr7:147,485,984, plus strand): 5'-CTCTCTGACAGATGTGTGCCCAATCACTGTGAGCATGGTGGAAAGTGCTCGCAAACATGG[G>A]ACAGCTTCAAATGCACTTGTGATGAGACAGGATACAGTGGGGCCACCTGCCACAACTGTG-3'
Protein context (NP_054860.1, residues 564-584): EHGGKCSQTW[Asp574Asn]SFKCTCDETG